The following is an entry in ClinVar:

ClinVar aggregate classification (germline): Benign/Likely benign. Review status: criteria provided, multiple submitters, no conflicts (2 of 4 stars). 8 submissions from 8 submitters: Benign (3); Likely benign (2). 3 of the submissions do not count toward it. Last evaluated 2026-07-01.

Allele frequency attached by ClinVar (database versions not stated): 1000 Genomes Project 0.00379; 1000 Genomes Project 30x 0.00437; gnomAD 0.00795 and 0.00826; TOPMed 0.00889; ESP Exome Variant Server 0.00996.
gnomAD v4.1: 19,888 of 1,613,988 alleles (1.2%); highest among the groups gnomAD compares: Non-Finnish European, 1.5%; 154 homozygotes.

Submissions (8):

CeGaT Center for Human Genetics Tuebingen
Classification: Benign. Last evaluated: 2026-07-01. Review status: criteria provided, single submitter. Criteria: CeGaT Center For Human Genetics Tuebingen Variant Classification Criteria Version 2. Collection method: clinical testing. Allele origin: germline. Affected: yes. Observed: 8 variant alleles.
Comment: FAT1: BP4, BS1, BS2

Labcorp Genetics (formerly Invitae), Labcorp
Classification: Benign. Last evaluated: 2026-01-25. Review status: criteria provided, single submitter. Criteria: Invitae Variant Classification Sherloc (09022015). Collection method: clinical testing. Allele origin: germline.

GeneDx
Classification: Likely benign. Last evaluated: 2024-07-31. Review status: criteria provided, single submitter. Criteria: GeneDx Variant Classification Process June 2021. Collection method: clinical testing. Allele origin: germline. Affected: yes.
Comment: See Variant Classification Assertion Criteria.

Mayo Clinic Laboratories, Mayo Clinic
Classification: Benign. Last evaluated: 2023-04-04. Review status: criteria provided, single submitter. Criteria: ACMG Guidelines, 2015. Collection method: clinical testing. Allele origin: germline. Observed: 3 variant alleles.
Comment: BS1, BS2, BP4

Breakthrough Genomics
Classification: Likely benign. Review status: criteria provided, single submitter. Criteria: ACMG Guidelines, 2015. Collection method: not provided. Allele origin: germline. Inheritance: Unknown mechanism. Affected: yes.

Department of Pathology and Laboratory Medicine, Sinai Health System
Classification: Benign. Review status: no assertion criteria provided. Collection method: clinical testing. Allele origin: unknown. Affected: yes. Study: The Canadian Open Genetics Repository (COGR). Not counted in ClinVar's aggregate classification.
Comment: The FAT1 p.Arg2567His variant was identified in the literature in a tumor sample from a patient with adenosquamous carcinoma of the pancreas (Jordan_2016). The variant was identified in dbSNP (ID: rs116784674), ClinVar (classified as benign by Invitae), and LOVD 3.0 (classified as benign). The variant was not identified in Cosmic. The variant was identified in control databases in 2141 of 266006 chromosomes (15 homozygous) at a frequency of 0.008049 increasing the likelihood this could be a low frequency benign variant (Genome Aggregation Database March 6, 2019, v2.1.1). The variant was observed in the following populations: European (non-Finnish) in 1643 of 117354 chromosomes (freq: 0.014), Other in 60 of 6616 chromosomes (freq: 0.009069), Ashkenazi Jewish in 65 of 9848 chromosomes (freq: 0.0066), Latino in 225 of 35016 chromosomes (freq: 0.006426), African in 66 of 22844 chromosomes (freq: 0.002889), European (Finnish) in 55 of 24986 chromosomes (freq: 0.002201) and South Asian in 27 of 30506 chromosomes (freq: 0.000885), but was not observed in the East Asian population. The p.Arg2567 residue is conserved in mammals and computational analyses (PolyPhen-2, SIFT, AlignGVGD, BLOSUM, MutationTaster) provide inconsistent predictions regarding the impact to the protein; this information is not very predictive of pathogenicity. The variant occurs outside of the splicing consensus sequence and 1 of 4 in silico or computational prediction software programs (SpliceSiteFinder, MaxEntScan, NNSPLICE, GeneSplicer) predict a greater than 10% difference in splicing; this is not very predictive of pathogenicity. In summary, based on the above information this variant meets our laboratory's criteria to be classified as benign.

Genome Diagnostics Laboratory, University Medical Center Utrecht
Classification: Benign. Review status: no assertion criteria provided. Collection method: clinical testing. Allele origin: germline. Affected: yes. Study: VKGL Data-share Consensus. Not counted in ClinVar's aggregate classification.

Laboratory of Diagnostic Genome Analysis, Leiden University Medical Center (LUMC)
Classification: Likely benign. Review status: no assertion criteria provided. Collection method: clinical testing. Allele origin: germline. Affected: yes. Study: VKGL Data-share Consensus. Not counted in ClinVar's aggregate classification.

NM_005245.4(FAT1):c.7700G>A (p.Arg2567His)

Gene: FAT1 (FAT atypical cadherin 1; minus strand). Cytogenetic location: 4q35.2.
Variant type: single nucleotide variant.
Coding change: c.7700G>A on transcript NM_005245.4 (MANE Select); coding-DNA position 7700, G replaced by A.
Protein change: p.Arg2567His; replaces arginine 2567 with histidine.
Molecular consequence: missense variant.
Genome position (GRCh38, 1-based): chr4:186,618,886, C>T on the plus strand (G>A on the coding strand, the complement: FAT1 is on the minus strand). VCF-style: chr4-186618886-C-T. GRCh37 (hg19) VCF-style: chr4-187540040-C-T.
Other names: p.Arg2567His; short protein forms R2567H.
Identifiers: ClinVar variation 770714 (VCV000770714.40), dbSNP rs116784674, ClinGen allele CA3166013.
Genomic context (GRCh38, chr4:186,618,886, plus strand): 5'-GTAAGGATGACATTCACGGTGCAGAAAGCAACTTTTCCTCCAGCATCCTTAGCCATTAAA[C>T]GGACTGAGATCACTTTCTCCGCCGGGGTTTCTCGATCAAGTTTTTCCAAAGTAAATATCT-3'
Protein context (NP_005236.2, residues 2557-2577): ETPAEKVISV[Arg2567His]LMAKDAGGKV